The following is an entry in ClinVar:

NM_002524.5(NRAS):c.380C>T (p.Thr127Ile)

Gene: NRAS (NRAS proto-oncogene, GTPase; minus strand). Cytogenetic location: 1p13.2.
Variant type: single nucleotide variant.
Coding change: c.380C>T on transcript NM_002524.5 (MANE Select); coding-DNA position 380, C replaced by T.
Protein change: p.Thr127Ile; replaces threonine 127 with isoleucine.
Molecular consequence: missense variant.
Genome position (GRCh38, 1-based): chr1:114,709,639, G>A on the plus strand (C>T on the coding strand, the complement: NRAS is on the minus strand). VCF-style: chr1-114709639-G-A. GRCh37 (hg19) VCF-style: chr1-115252260-G-A.
Other names: short protein forms T127I.
Identifiers: ClinVar variation 477663 (VCV000477663.9), dbSNP rs779899354, ClinGen allele CA341739359.

ClinVar aggregate classification (germline): Uncertain significance (1 of 4 stars; one submission).

Conditions:
RASopathy. Also called: rasopathies; Noonan spectrum disorder. Identifiers: Orphanet 536391, MedGen C5555857, MONDO:0021060.

Submission:

Labcorp Genetics (formerly Invitae), Labcorp
Classification: Uncertain significance for RASopathy. Last evaluated: 2018-10-07. Review status: criteria provided, single submitter. Criteria: Invitae Variant Classification Sherloc (09022015). Collection method: clinical testing. Allele origin: germline.
Comment: This sequence change replaces threonine with isoleucine at codon 127 of the NRAS protein (p.Thr127Ile). The threonine residue is highly conserved and there is a moderate physicochemical difference between threonine and isoleucine. This variant is not present in population databases (ExAC no frequency). This variant has not been reported in the literature in individuals with NRAS-related disease. ClinVar contains an entry for this variant (Variation ID: 477663). Algorithms developed to predict the effect of missense changes on protein structure and function are either unavailable or do not agree on the potential impact of this missense change (SIFT: "Tolerated"; PolyPhen-2: "Possibly Damaging"; Align-GVGD: "Class C0"). In summary, the available evidence is currently insufficient to determine the role of this variant in disease. Therefore, it has been classified as a Variant of Uncertain Significance.